The following is an entry in ClinVar:

NM_001004334.4(GPR179):c.3787G>A (p.Glu1263Lys)

Gene: GPR179 (G protein-coupled receptor 179; minus strand). Cytogenetic location: 17q12.
Variant type: single nucleotide variant.
Coding change: c.3787G>A on transcript NM_001004334.4 (MANE Select); coding-DNA position 3787, G replaced by A.
Protein change: p.Glu1263Lys; replaces glutamic acid 1263 with lysine.
Molecular consequence: missense variant.
Genome position (GRCh38, 1-based): chr17:38,329,782, C>T on the plus strand (G>A on the coding strand, the complement: GPR179 is on the minus strand). VCF-style: chr17-38329782-C-T. GRCh37 (hg19) VCF-style: chr17-36485665-C-T.
Other names: short protein forms E1263K.
Identifiers: ClinVar variation 1389724 (VCV001389724.6), dbSNP rs376112804, ClinGen allele CA290104755.

ClinVar aggregate classification (germline): Uncertain significance (1 of 4 stars; one submission).

Allele frequency attached by ClinVar (database versions not stated): gnomAD exomes 0.00001 and 0.00002; ExAC 0.00002; TOPMed 0.00003; gnomAD 0.00005; ESP Exome Variant Server 0.00008.
gnomAD v4.1: 26 of 1,614,020 alleles (0.0016%); highest among the groups gnomAD compares: African/African-American, 0.015%; no homozygotes.

Submission:

Labcorp Genetics (formerly Invitae), Labcorp
Classification: Uncertain significance. Last evaluated: 2023-07-17. Review status: criteria provided, single submitter. Criteria: Invitae Variant Classification Sherloc (09022015). Collection method: clinical testing. Allele origin: germline.
Comment: In summary, the available evidence is currently insufficient to determine the role of this variant in disease. Therefore, it has been classified as a Variant of Uncertain Significance. Algorithms developed to predict the effect of missense changes on protein structure and function output the following: SIFT: "Not Available"; PolyPhen-2: "Benign"; Align-GVGD: "Not Available". The lysine amino acid residue is found in multiple mammalian species, which suggests that this missense change does not adversely affect protein function. ClinVar contains an entry for this variant (Variation ID: 1389724). This variant has not been reported in the literature in individuals affected with GPR179-related conditions. This variant is present in population databases (rs376112804, gnomAD 0.02%). This sequence change replaces glutamic acid, which is acidic and polar, with lysine, which is basic and polar, at codon 1263 of the GPR179 protein (p.Glu1263Lys).